The following is an entry in ClinVar:

NM_032444.4(SLX4):c.4129T>G (p.Ser1377Ala)

Gene: SLX4 (SLX4 structure-specific endonuclease subunit; minus strand). Cytogenetic location: 16p13.3.
Variant type: single nucleotide variant.
Coding change: c.4129T>G on transcript NM_032444.4 (MANE Select); coding-DNA position 4129, T replaced by G.
Protein change: p.Ser1377Ala; replaces serine 1377 with alanine.
Molecular consequence: missense variant.
Genome position (GRCh38, 1-based): chr16:3,589,509, A>C on the plus strand (T>G on the coding strand, the complement: SLX4 is on the minus strand). VCF-style: chr16-3589509-A-C. GRCh37 (hg19) VCF-style: chr16-3639510-A-C.
Other names: short protein forms S1377A.
Identifiers: ClinVar variation 2001245 (VCV002001245.4), dbSNP rs1471451210, ClinGen allele CA394518362.

ClinVar aggregate classification (germline): Uncertain significance (1 of 4 stars; one submission).

Conditions:
Fanconi anemia (FA). Also called: Fanconi's anemia. Identifiers: Orphanet 84, MedGen C0015625, MeSH D005199, MONDO:0019391.

Submission:

Labcorp Genetics (formerly Invitae), Labcorp
Classification: Uncertain significance for Fanconi anemia. Last evaluated: 2022-05-30. Review status: criteria provided, single submitter. Criteria: Invitae Variant Classification Sherloc (09022015). Collection method: clinical testing. Allele origin: germline.
Comment: This variant has not been reported in the literature in individuals affected with SLX4-related conditions. Algorithms developed to predict the effect of missense changes on protein structure and function (SIFT, PolyPhen-2, Align-GVGD) all suggest that this variant is likely to be tolerated. In summary, the available evidence is currently insufficient to determine the role of this variant in disease. Therefore, it has been classified as a Variant of Uncertain Significance. This variant is not present in population databases (gnomAD no frequency). This sequence change replaces serine, which is neutral and polar, with alanine, which is neutral and non-polar, at codon 1377 of the SLX4 protein (p.Ser1377Ala).